The following is an entry in ClinVar:

NM_015047.3(EMC1):c.1676A>G (p.Gln559Arg)

Genes: EMC1 (ER membrane protein complex subunit 1; minus strand), EMC1-AS1 (EMC1 antisense RNA 1; plus strand). Cytogenetic location: 1p36.13.
Variant type: single nucleotide variant.
Coding change: c.1676A>G on transcript NM_015047.3 (MANE Select); coding-DNA position 1676, A replaced by G.
Protein change: p.Gln559Arg; replaces glutamine 559 with arginine.
Molecular consequence: missense variant.
Genome position (GRCh38, 1-based): chr1:19,232,730, T>C on the plus strand (A>G on the coding strand, the complement: EMC1 is on the minus strand). VCF-style: chr1-19232730-T-C. GRCh37 (hg19) VCF-style: chr1-19559224-T-C.
Other names: c.1673A>G, p.Gln558Arg (NM_001271427.2, NM_001271428.2); c.1610A>G, p.Gln537Arg (NM_001271429.2); c.1685A>G, p.Gln562Arg (NM_001375820.1); c.1682A>G, p.Gln561Arg (NM_001375821.1); short protein forms Q559R, Q561R, Q537R, Q558R, Q562R.
Identifiers: ClinVar variation 1522833 (VCV001522833.9), dbSNP rs2151949460, ClinGen allele CA338761115.

ClinVar aggregate classification (germline): Uncertain significance. Review status: criteria provided, multiple submitters, no conflicts (2 of 4 stars). 2 submissions from 2 submitters: Uncertain significance (2). Last evaluated 2024-02-24.

Conditions:
Retinal dystrophy. Also called: Inherited retinal dystrophy. Identifiers: Orphanet 71862, MedGen C0854723, MeSH D058499, MONDO:0019118, HP:0000556.

gnomAD v4.1: 1 of 1,614,194 alleles (0.000062%); highest among the groups gnomAD compares: Non-Finnish European, 0.000085%; no homozygotes.

Submissions (2):

Labcorp Genetics (formerly Invitae), Labcorp
Classification: Uncertain significance. Last evaluated: 2024-02-24. Review status: criteria provided, single submitter. Criteria: Invitae Variant Classification Sherloc (09022015). Collection method: clinical testing. Allele origin: germline.
Comment: This sequence change replaces glutamine, which is neutral and polar, with arginine, which is basic and polar, at codon 559 of the EMC1 protein (p.Gln559Arg). This variant is not present in population databases (gnomAD no frequency). This variant has not been reported in the literature in individuals affected with EMC1-related conditions. ClinVar contains an entry for this variant (Variation ID: 1522833). Advanced modeling of protein sequence and biophysical properties (such as structural, functional, and spatial information, amino acid conservation, physicochemical variation, residue mobility, and thermodynamic stability) performed at Invitae indicates that this missense variant is not expected to disrupt EMC1 protein function with a negative predictive value of 80%. In summary, the available evidence is currently insufficient to determine the role of this variant in disease. Therefore, it has been classified as a Variant of Uncertain Significance.

Dept Of Ophthalmology, Nagoya University
Classification: Uncertain significance for Retinal dystrophy. Last evaluated: 2023-10-01. Review status: criteria provided, single submitter. Criteria: Submitter's publication. Collection method: research. Allele origin: germline. Affected: yes.